The following is an entry in ClinVar:

ClinVar aggregate classification (germline): Uncertain significance (1 of 4 stars; one submission).

Conditions:
MOGS-congenital disorder of glycosylation. Also called: CDG IIb; GLUCOSIDASE I DEFICIENCY; CDG 2B; MOGS-CDG. Identifiers: Orphanet 79330, MedGen C1853736, MONDO:0011629, OMIM 606056.

Submission:

Labcorp Genetics (formerly Invitae), Labcorp
Classification: Uncertain significance for MOGS-congenital disorder of glycosylation. Last evaluated: 2025-09-20. Review status: criteria provided, single submitter. Criteria: Invitae Variant Classification Sherloc (09022015). Collection method: clinical testing. Allele origin: germline.
Comment: This sequence change replaces proline, which is neutral and non-polar, with serine, which is neutral and polar, at codon 679 of the MOGS protein (p.Pro679Ser). This variant is not present in population databases (gnomAD no frequency). This variant has not been reported in the literature in individuals affected with MOGS-related conditions. Invitae Evidence Modeling of protein sequence and biophysical properties (such as structural, functional, and spatial information, amino acid conservation, physicochemical variation, residue mobility, and thermodynamic stability) indicates that this missense variant is not expected to disrupt MOGS protein function with a negative predictive value of 80%. In summary, the available evidence is currently insufficient to determine the role of this variant in disease. Therefore, it has been classified as a Variant of Uncertain Significance.

NM_006302.3(MOGS):c.2035C>T (p.Pro679Ser)

Gene: MOGS (mannosyl-oligosaccharide glucosidase; minus strand). Cytogenetic location: 2p13.1.
Variant type: single nucleotide variant.
Coding change: c.2035C>T on transcript NM_006302.3 (MANE Select); coding-DNA position 2035, C replaced by T.
Protein change: p.Pro679Ser; replaces proline 679 with serine.
Molecular consequence: missense variant.
Genome position (GRCh38, 1-based): chr2:74,461,754, G>A on the plus strand (C>T on the coding strand, the complement: MOGS is on the minus strand). VCF-style: chr2-74461754-G-A. GRCh37 (hg19) VCF-style: chr2-74688881-G-A.
Other names: c.1717C>T, p.Pro573Ser (NM_001146158.2); short protein forms P573S, P679S.
Identifiers: ClinVar variation 4763189 (VCV004763189.1).